The following is an entry in ClinVar:

ClinVar aggregate classification (germline): Uncertain significance. Review status: criteria provided, multiple submitters, no conflicts (2 of 4 stars). 2 submissions from 2 submitters: Uncertain significance (2). Last evaluated 2025-01-06.

Conditions:
Hereditary cancer-predisposing syndrome. Also called: Neoplastic Syndromes, Hereditary; Tumor predisposition; Hereditary neoplastic syndrome; Hereditary Cancer Syndrome. Identifiers: Orphanet 140162, MedGen C0027672, MeSH D009386, MONDO:0015356.

Submissions (2):

GeneDx
Classification: Uncertain significance. Last evaluated: 2025-01-06. Review status: criteria provided, single submitter. Criteria: GeneDx Variant Classification Process June 2021. Collection method: clinical testing. Allele origin: germline. Affected: yes.
Comment: Not observed at significant frequency in large population cohorts (gnomAD); In silico analysis indicates that this missense variant does not alter protein structure/function; Has not been previously published as pathogenic or benign to our knowledge

Ambry Genetics
Classification: Uncertain significance for Hereditary cancer-predisposing syndrome. Last evaluated: 2022-12-06. Review status: criteria provided, single submitter. Criteria: Ambry Variant Classification Scheme 2023. Collection method: clinical testing. Allele origin: germline.
Comment: The p.P295S variant (also known as c.883C>T), located in coding exon 5 of the SMARCA4 gene, results from a C to T substitution at nucleotide position 883. The proline at codon 295 is replaced by serine, an amino acid with similar properties. This amino acid position is highly conserved in available vertebrate species. In addition, the in silico prediction for this alteration is inconclusive. Missense and in-frame variants in SMARCA4 are known to cause neurodevelopmental disorders; however, such associations with rhabdoid tumor predisposition syndrome including small cell carcinoma of the ovary-hypercalcemic type (SCCOHT) are exceedingly rare (Kosho T et al. Am J Med Genet C Semin Med Genet. 2014 Sep;166C(3):262-75; Jelinic P et al. Nat Genet. 2014 May;46(5):424-6). Based on the supporting evidence, the association of this alteration with Coffin-Siris syndrome is unknown; however, the association of this alteration with rhabdoid tumor predisposition syndrome is unlikely.

NM_003072.5(SMARCA4):c.883C>T (p.Pro295Ser)

Gene: SMARCA4 (SWI/SNF related BAF chromatin remodeling complex subunit ATPase 4; plus strand). Cytogenetic location: 19p13.2.
Variant type: single nucleotide variant.
Coding change: c.883C>T on transcript NM_003072.5 (MANE Select); coding-DNA position 883, C replaced by T.
Protein change: p.Pro295Ser; replaces proline 295 with serine.
Molecular consequence: missense variant. On other transcripts: non-coding transcript variant (1).
Genome position (GRCh38, 1-based): chr19:10,987,689, C>T. VCF-style: chr19-10987689-C-T. GRCh37 (hg19) VCF-style: chr19-11098365-C-T.
Other names: c.883C>T, p.Pro295Ser (NM_001128844.3, NM_001128845.2, NM_001128846.2 and 6 more transcripts); short protein forms P295S.
Identifiers: ClinVar variation 2452849 (VCV002452849.3), dbSNP rs970190031, ClinGen allele CA305287394.